The following is an entry in ClinVar:

ClinVar aggregate classification (germline): Uncertain significance (1 of 4 stars; one submission).

Submission:

Labcorp Genetics (formerly Invitae), Labcorp
Classification: Uncertain significance. Last evaluated: 2025-01-05. Review status: criteria provided, single submitter. Criteria: Invitae Variant Classification Sherloc (09022015). Collection method: clinical testing. Allele origin: germline.
Comment: This sequence change replaces tyrosine, which is neutral and polar, with histidine, which is basic and polar, at codon 122 of the SFTPC protein (p.Tyr122His). The frequency data for this variant in the population databases is considered unreliable, as metrics indicate poor data quality at this position in the gnomAD database. This missense change has been observed in individual(s) with SFTPC-related conditions (internal data). An algorithm developed to predict the effect of missense changes on protein structure and function (PolyPhen-2) suggests that this variant is likely to be disruptive. In summary, the available evidence is currently insufficient to determine the role of this variant in disease. Therefore, it has been classified as a Variant of Uncertain Significance.

NM_001317778.2(SFTPC):c.364T>C (p.Tyr122His)

Gene: SFTPC (surfactant protein C; plus strand). Cytogenetic location: 8p21.3.
Variant type: single nucleotide variant.
Coding change: c.364T>C on transcript NM_001317778.2 (MANE Select); coding-DNA position 364, T replaced by C.
Protein change: p.Tyr122His; replaces tyrosine 122 with histidine.
Molecular consequence: missense variant.
Genome position (GRCh38, 1-based): chr8:22,163,475, T>C. VCF-style: chr8-22163475-T-C. GRCh37 (hg19) VCF-style: chr8-22020988-T-C.
Other names: c.364T>C, p.Tyr122His (NM_001172357.2, NM_001172410.2, NM_001317780.2 and 8 more transcripts); c.205T>C, p.Tyr69His (NM_001317779.2, NM_001385660.1); short protein forms Y69H, Y122H.
Identifiers: ClinVar variation 3690411 (VCV003690411.2).